The following is an entry in ClinVar:

ClinVar aggregate classification (germline): Uncertain significance (1 of 4 stars; one submission).

Conditions:
Christianson syndrome (MRXSCH). Also called: INTELLECTUAL DEVELOPMENTAL DISORDER, X-LINKED, SYNDROMIC, CHRISTIANSON TYPE; SLC9A6-Related Syndromic Mental Retardation; X-linked mental retardation, syndromic, Christianson type. Identifiers: Orphanet 85278, MedGen C2678194, MONDO:0010278, OMIM 300243.

gnomAD v4.1: 4 of 1,208,565 alleles (0.00033%); highest among the groups gnomAD compares: Non-Finnish European, 0.00045%; no homozygotes.

Submission:

Labcorp Genetics (formerly Invitae), Labcorp
Classification: Uncertain significance for Christianson syndrome. Last evaluated: 2022-08-09. Review status: criteria provided, single submitter. Criteria: Invitae Variant Classification Sherloc (09022015). Collection method: clinical testing. Allele origin: germline.
Comment: In summary, the available evidence is currently insufficient to determine the role of this variant in disease. Therefore, it has been classified as a Variant of Uncertain Significance. Algorithms developed to predict the effect of sequence changes on RNA splicing suggest that this variant may create or strengthen a splice site. Algorithms developed to predict the effect of missense changes on protein structure and function are either unavailable or do not agree on the potential impact of this missense change (SIFT: "Tolerated"; PolyPhen-2: "Probably Damaging"; Align-GVGD: "Class C0"). ClinVar contains an entry for this variant (Variation ID: 1442658). This variant has not been reported in the literature in individuals affected with SLC9A6-related conditions. This variant is not present in population databases (gnomAD no frequency). This sequence change replaces lysine, which is basic and polar, with arginine, which is basic and polar, at codon 321 of the SLC9A6 protein (p.Lys321Arg).

NM_001379110.1(SLC9A6):c.902A>G (p.Lys301Arg)

Gene: SLC9A6 (solute carrier family 9 member A6; plus strand). Cytogenetic location: Xq26.3.
Variant type: single nucleotide variant.
Coding change: c.902A>G on transcript NM_001379110.1 (MANE Select); coding-DNA position 902, A replaced by G.
Protein change: p.Lys301Arg; replaces lysine 301 with arginine.
Molecular consequence: missense variant.
Genome position (GRCh38, 1-based): chrX:136,012,965, A>G. VCF-style: chrX-136012965-A-G. GRCh37 (hg19) VCF-style: chrX-135095124-A-G.
Other names: c.1058A>G, p.Lys353Arg (NM_001042537.2); c.902A>G, p.Lys301Arg (NM_001177651.2); c.806A>G, p.Lys269Arg (NM_001330652.2); c.962A>G, p.Lys321Arg (NM_006359.3); short protein forms K301R, K321R, K353R, K269R.
Identifiers: ClinVar variation 1442658 (VCV001442658.8), dbSNP rs2148173863, ClinGen allele CA414751538.